The following is an entry in ClinVar:

NM_000245.4(MET):c.3489A>C (p.Gly1163=)

Gene: MET (MET proto-oncogene, receptor tyrosine kinase; plus strand). Cytogenetic location: 7q31.2.
Variant type: single nucleotide variant.
Coding change: c.3489A>C on transcript NM_000245.4 (MANE Select); coding-DNA position 3489, A replaced by C.
Protein change: p.Gly1163=; no amino-acid change (glycine 1163 retained).
Molecular consequence: synonymous variant.
Genome position (GRCh38, 1-based): chr7:116,778,924, A>C. VCF-style: chr7-116778924-A-C. GRCh37 (hg19) VCF-style: chr7-116418978-A-C.
Other names: c.3543A>C, p.Gly1181= (NM_001127500.3); c.2199A>C, p.Gly733= (NM_001324402.2).
Identifiers: ClinVar variation 1732493 (VCV001732493.3), dbSNP rs753101831, ClinGen allele CA457219072.

ClinVar aggregate classification (germline): Benign/Likely benign. Review status: criteria provided, multiple submitters, no conflicts (2 of 4 stars). 2 submissions from 2 submitters: Benign (1); Likely benign (1). Last evaluated 2024-11-13.

Conditions:
Hereditary cancer-predisposing syndrome. Also called: Neoplastic Syndromes, Hereditary; Tumor predisposition; Hereditary Cancer Syndrome; Hereditary neoplastic syndrome. Identifiers: Orphanet 140162, MedGen C0027672, MeSH D009386, MONDO:0015356.
Papillary renal cell carcinoma type 1 (RCCP1). Also called: RENAL CELL CARCINOMA, PAPILLARY, 1, SOMATIC; Renal adenocarcinoma; Renal cell carcinoma 1; Renal cell carcinoma, somatic. Identifiers: Orphanet 47044, MedGen C1336839, OMIM 605074, HP:0011797.

Submissions (2):

Myriad Genetics, Inc.
Classification: Benign for Papillary renal cell carcinoma type 1. Last evaluated: 2024-11-13. Review status: criteria provided, single submitter. Criteria: Myriad Autosomal Dominant, Autosomal Recessive and X-Linked Classification Criteria (2023). Collection method: clinical testing. Allele origin: unknown.
Comment: This variant is considered benign. This variant is a silent/synonymous amino acid change and it is not expected to impact splicing.

Ambry Genetics
Classification: Likely benign for Hereditary cancer-predisposing syndrome. Last evaluated: 2021-08-13. Review status: criteria provided, single submitter. Criteria: Ambry Variant Classification Scheme 2023. Collection method: clinical testing. Allele origin: germline.